The following is an entry in ClinVar:

NM_033305.3(VPS13A):c.8325+1G>T

Gene: VPS13A (vacuolar protein sorting 13 homolog A; plus strand). Cytogenetic location: 9q21.2.
Variant type: single nucleotide variant.
Coding change: c.8325+1G>T on transcript NM_033305.3 (MANE Select); the canonical splice donor site of the intron after coding-DNA position 8325, G replaced by T.
Molecular consequence: splice donor variant.
Genome position (GRCh38, 1-based): chr9:77,365,574, G>T. VCF-style: chr9-77365574-G-T. GRCh37 (hg19) VCF-style: chr9-79980490-G-T.
Other names: c.8208+1G>T (NM_001018037.2); c.8325+1G>T (NM_015186.4, NM_001018038.3).
Identifiers: ClinVar variation 2814138 (VCV002814138.3), dbSNP rs1459022689, ClinGen allele CA373862899.

ClinVar aggregate classification (germline): Likely pathogenic (1 of 4 stars; one submission).

Submission:

Labcorp Genetics (formerly Invitae), Labcorp
Classification: Likely pathogenic. Last evaluated: 2022-11-14. Review status: criteria provided, single submitter. Criteria: Invitae Variant Classification Sherloc (09022015). Collection method: clinical testing. Allele origin: germline.
Comment: This sequence change affects a donor splice site in intron 60 of the VPS13A gene. It is expected to disrupt RNA splicing. Variants that disrupt the donor or acceptor splice site typically lead to a loss of protein function (PMID: 16199547), and loss-of-function variants in VPS13A are known to be pathogenic (PMID: 12404112, 21598378). This variant is not present in population databases (gnomAD no frequency). This variant has not been reported in the literature in individuals affected with VPS13A-related conditions. Algorithms developed to predict the effect of sequence changes on RNA splicing suggest that this variant may disrupt the consensus splice site. In summary, the currently available evidence indicates that the variant is pathogenic, but additional data are needed to prove that conclusively. Therefore, this variant has been classified as Likely Pathogenic.

Literature cited by the submitters: PubMed 16199547; PubMed 12404112; PubMed 21598378.